The following is an entry in ClinVar:

ClinVar aggregate classification (germline): Likely benign. Review status: criteria provided, multiple submitters, no conflicts (2 of 4 stars). 5 submissions from 5 submitters: Likely benign (5). Last evaluated 2026-02-16.

Conditions:
COL5A1-related disorder. Also called: COL5A1-related condition.
Ehlers-Danlos syndrome, classic type, 1 (EDSCL1). Also called: Ehlers-Danlos Syndrome, Classic Type, COL5A1-Related; EDS I; EHLERS-DANLOS SYNDROME, GRAVIS TYPE; EHLERS-DANLOS SYNDROME, SEVERE CLASSIC TYPE; Ehlers-Danlos syndrome, type 1. Identifiers: MedGen C0268335, MONDO:0019567, OMIM 130000.
Familial thoracic aortic aneurysm and aortic dissection (TAAD). Also called: Thoracic aortic aneurysms and dissections. Identifiers: Orphanet 91387, MedGen C4707243, MONDO:0019625.

Allele frequency attached by ClinVar (database versions not stated): gnomAD 0.00002 and 0.00003; TOPMed 0.00004; gnomAD exomes 0.00005 and 0.00006; ExAC 0.00007; 1000 Genomes Project 30x 0.00016; 1000 Genomes Project 0.00020.
gnomAD v4.1: 93 of 1,613,320 alleles (0.0058%); highest among the groups gnomAD compares: East Asian, 0.013%; no homozygotes.

Submissions (5):

PreventionGenetics, part of Exact Sciences
Classification: Likely benign for COL5A1-related condition. Last evaluated: 2026-02-16. Review status: criteria provided, single submitter. Criteria: ACMG Guidelines, 2015. Collection method: clinical testing. Allele origin: germline.
Comment: This variant is classified as likely benign based on ACMG/AMP sequence variant interpretation guidelines (Richards et al. 2015 PMID: 25741868, with internal and published modifications).

Labcorp Genetics (formerly Invitae), Labcorp
Classification: Likely benign for Ehlers-Danlos syndrome, classic type, 1. Last evaluated: 2025-07-23. Review status: criteria provided, single submitter. Criteria: Invitae Variant Classification Sherloc (09022015). Collection method: clinical testing. Allele origin: germline.

CeGaT Center for Human Genetics Tuebingen
Classification: Likely benign. Last evaluated: 2024-06-01. Review status: criteria provided, single submitter. Criteria: CeGaT Center For Human Genetics Tuebingen Variant Classification Criteria Version 2. Collection method: clinical testing. Allele origin: germline. Affected: yes. Observed: 1 variant allele.
Comment: COL5A1: BP4, BP7

Ambry Genetics
Classification: Likely benign for Familial thoracic aortic aneurysm and aortic dissection. Last evaluated: 2018-11-05. Review status: criteria provided, single submitter. Criteria: Ambry Variant Classification Scheme 2023. Collection method: clinical testing. Allele origin: germline.

GeneDx
Classification: Likely benign. Last evaluated: 2017-06-29. Review status: criteria provided, single submitter. Criteria: GeneDx Variant Classification (06012015). Collection method: clinical testing. Allele origin: germline. Affected: yes.
Comment: This variant is considered likely benign or benign based on one or more of the following criteria: it is a conservative change, it occurs at a poorly conserved position in the protein, it is predicted to be benign by multiple in silico algorithms, and/or has population frequency not consistent with disease.

NM_000093.5(COL5A1):c.420C>T (p.Tyr140=)

Gene: COL5A1 (collagen type V alpha 1 chain; plus strand). Cytogenetic location: 9q34.3.
Variant type: single nucleotide variant.
Coding change: c.420C>T on transcript NM_000093.5 (MANE Select); coding-DNA position 420, C replaced by T.
Protein change: p.Tyr140=; no amino-acid change (tyrosine 140 retained).
Molecular consequence: synonymous variant.
Genome position (GRCh38, 1-based): chr9:134,700,051, C>T. VCF-style: chr9-134700051-C-T. GRCh37 (hg19) VCF-style: chr9-137591897-C-T.
Other names: c.420C>T, p.Tyr140= (NM_001278074.1).
Identifiers: ClinVar variation 415443 (VCV000415443.29), dbSNP rs540553997, ClinGen allele CA5318290.
Genomic context (GRCh38, chr9:134,700,051, plus strand): 5'-CAACGAGCAGGGTATCCAGCAGATTGGGCTGGAGCTGGGCCGCTCTCCCGTCTTCCTCTA[C>T]GAGGACCACACGGGGAAGCCTGGCCCGGAAGACTACCCCCTCTTCCGGGGCATCAACCTG-3'
Protein context (NP_000084.3, residues 130-150): LELGRSPVFL[Tyr140=]EDHTGKPGPE